The following is an entry in ClinVar:

ClinVar aggregate classification (germline): Benign (1 of 4 stars; one submission).

Allele frequency attached by ClinVar (database versions not stated): ESP Exome Variant Server 0.00354; gnomAD exomes 0.00455; 1000 Genomes Project 0.00260; 1000 Genomes Project 30x 0.00297; gnomAD 0.00314; ExAC 0.00318; TOPMed 0.00351.
gnomAD v4.1: 7,081 of 1,614,076 alleles (0.44%); highest among the groups gnomAD compares: Non-Finnish European, 0.53%; 19 homozygotes.

Submission:

CeGaT Center for Human Genetics Tuebingen
Classification: Benign. Last evaluated: 2026-09-01. Review status: criteria provided, single submitter. Criteria: CeGaT Center For Human Genetics Tuebingen Variant Classification Criteria Version 2. Collection method: clinical testing. Allele origin: germline. Affected: yes. Observed: 17 variant alleles.
Comment: KCNN2: BP4, BP7, BS1, BS2

NM_021614.4(KCNN2):c.2253C>T (p.Phe751=)

Genes: KCNN2 (potassium calcium-activated channel subfamily N member 2; plus strand), KCNN2-AS1 (KCNN2 antisense RNA 1; minus strand). Cytogenetic location: 5q22.3.
Variant type: single nucleotide variant.
Coding change: c.2253C>T on transcript NM_021614.4 (MANE Select); coding-DNA position 2253, C replaced by T.
Protein change: p.Phe751=; no amino-acid change (phenylalanine 751 retained).
Molecular consequence: synonymous variant. On other transcripts: non-coding transcript variant (2).
Genome position (GRCh38, 1-based): chr5:114,496,059, C>T. VCF-style: chr5-114496059-C-T. GRCh37 (hg19) VCF-style: chr5-113831756-C-T.
Other names: c.2451C>T, p.Phe817= (NM_001372233.1); c.573C>T, p.Phe191= (NM_170775.3).
Identifiers: ClinVar variation 2578982 (VCV002578982.25), dbSNP rs80303410, ClinGen allele CA3373164.